The following is an entry in ClinVar:

ClinVar aggregate classification (germline): Pathogenic. Review status: criteria provided, single submitter (1 of 4 stars). 3 submissions from 3 submitters: Pathogenic (1). 2 of the submissions do not count toward it. Last evaluated 2022-11-30.

Conditions:
Niemann-Pick disease, type C (NPC). Identifiers: Orphanet 646, MedGen C0220756, MONDO:0018982.
Niemann-Pick disease, type C2 (NPC2). Identifiers: Orphanet 646, MedGen C1843366, MONDO:0011873, OMIM 607625.

Allele frequency attached by ClinVar (database versions not stated): gnomAD exomes below 0.00001.

Submissions (3):

Women's Health and Genetics/Laboratory Corporation of America, LabCorp
Classification: Pathogenic for Niemann-Pick disease, type C. Last evaluated: 2022-11-30. Review status: criteria provided, single submitter. Criteria: LabCorp Variant Classification Summary - May 2015. Collection method: clinical testing. Allele origin: germline.
Comment: Variant summary: NPC2 c.436C>T (p.Gln146X) results in a premature termination codon, predicted to cause a truncation of the encoded protein. The variant was absent in 251468 control chromosomes (gnomAD). c.436C>T has been reported in the literature in the homozygous state in multiple individuals affected with Niemann-Pick Disease Type C (e.g. Millat_2005, Reunert_2015, Dardis_2020). These data indicate that the variant is very likely to be associated with disease. At least one publication reports experimental evidence evaluating an impact on protein function (Verot_2007). In fibroblasts derived from a homozygous patient, RT-PCR analysis indicated that the variant transcript was not subjected to nonsense mediated decay, however NPC2 protein was not detected by both Western blot and immunocytochemical approahes, suggesting that the variant results in an unstable protein. One clinical diagnostic laboratory has submitted a clinical-significance assessment for this variant to ClinVar after 2014 without evidence for independent evaluation and classified the variant as likely pathogenic. Based on the evidence outlined above, the variant was classified as pathogenic.

Counsyl
Classification: Likely pathogenic for Niemann-Pick disease, type C2. Last evaluated: 2017-08-03. Review status: no assertion criteria provided. Collection method: clinical testing. Allele origin: unknown. Not counted in ClinVar's aggregate classification.

OMIM
Classification: Pathogenic for NIEMANN-PICK DISEASE, TYPE C2. Last evaluated: 2007-04-01. Review status: no assertion criteria provided. Collection method: literature only. Allele origin: germline. Not counted in ClinVar's aggregate classification.

Literature cited by the submitters: PubMed 17470133 (cited by 3 submitters); PubMed 16126423 (cited by Women's Health and Genetics/Laboratory Corporation of America, LabCorp and Counsyl); PubMed 32138288 (cited by Women's Health and Genetics/Laboratory Corporation of America, LabCorp); PubMed 25772320 (cited by Women's Health and Genetics/Laboratory Corporation of America, LabCorp and Counsyl).

NM_006432.5(NPC2):c.436C>T (p.Gln146Ter)

Gene: NPC2 (NPC intracellular cholesterol transporter 2; minus strand). Cytogenetic location: 14q24.3.
Variant type: single nucleotide variant.
Coding change: c.436C>T on transcript NM_006432.5 (MANE Select); coding-DNA position 436, C replaced by T.
Protein change: p.Gln146Ter; replaces glutamine 146 with a stop codon.
Molecular consequence: nonsense. On other transcripts: intron variant (1).
Genome position (GRCh38, 1-based): chr14:74,480,707, G>A on the plus strand (C>T on the coding strand, the complement: NPC2 is on the minus strand). VCF-style: chr14-74480707-G-A. GRCh37 (hg19) VCF-style: chr14-74947410-G-A.
Other names: c.436C>T, p.Gln146Ter (NM_001363688.1); c.364-419C>T (NM_001375440.1); short protein forms Q146*.
Identifiers: ClinVar variation 8485 (VCV000008485.4), dbSNP rs104894457, ClinGen allele CA254412.